The following is an entry in ClinVar:

NM_004415.4(DSP):c.1762C>T (p.Gln588Ter)

Gene: DSP (desmoplakin; plus strand). Cytogenetic location: 6p24.3.
Variant type: single nucleotide variant.
Coding change: c.1762C>T on transcript NM_004415.4 (MANE Select); coding-DNA position 1762, C replaced by T.
Protein change: p.Gln588Ter; replaces glutamine 588 with a stop codon.
Molecular consequence: nonsense.
Genome position (GRCh38, 1-based): chr6:7,571,443, C>T. VCF-style: chr6-7571443-C-T. GRCh37 (hg19) VCF-style: chr6-7571676-C-T.
Other names: c.1762C>T (LRG_423t1); c.1762C>T, p.Gln588Ter (NM_001008844.3, NM_001319034.2); short protein forms Q588*.
Identifiers: ClinVar variation 658277 (VCV000658277.14), dbSNP rs1581805658, ClinGen allele CA362679022.

ClinVar aggregate classification (germline): Pathogenic/Likely pathogenic. Review status: criteria provided, multiple submitters, no conflicts (2 of 4 stars). 5 submissions from 5 submitters: Pathogenic (4); Likely pathogenic (1). Last evaluated 2024-03-25.

Conditions:
DSP-related disorder. Also called: DSP-related disorders; DSP-related condition.
Cardiovascular phenotype. Identifiers: MedGen CN230736.
Arrhythmogenic cardiomyopathy with wooly hair and keratoderma. Also called: Arrhythmogenic cardiomyopathy with woolly hair and keratoderma; Dilated cardiomyopathy with woolly hair and keratoderma; Carvajal syndrome; PALMOPLANTAR KERATODERMA WITH LEFT VENTRICULAR CARDIOMYOPATHY AND WOOLLY HAIR. Identifiers: Orphanet 65282, MedGen C1854063, MONDO:0011581, OMIM 605676.
Arrhythmogenic right ventricular dysplasia 8 (ARVD8). Also called: ARRHYTHMOGENIC RIGHT VENTRICULAR CARDIOMYOPATHY 8; Arrhythmogenic Right Ventricular Dysplasia/Cardiomyopathy 8; ARRHYTHMOGENIC RIGHT VENTRICULAR DYSPLASIA, FAMILIAL, 8. Identifiers: MedGen C1843896, MONDO:0011831, OMIM 607450.
Cardiomyopathy (CMYO). Also called: Cardiomyopathies. Identifiers: Orphanet 167848, MedGen C0878544, MONDO:0004994, HP:0001638. Inheritance: Various modes of inheritance.

Submissions (5):

Labcorp Genetics (formerly Invitae), Labcorp
Classification: Pathogenic for Arrhythmogenic cardiomyopathy with wooly hair and keratoderma; Arrhythmogenic right ventricular dysplasia 8. Last evaluated: 2024-03-25. Review status: criteria provided, single submitter. Criteria: Invitae Variant Classification Sherloc (09022015). Collection method: clinical testing. Allele origin: germline.
Comment: This sequence change creates a premature translational stop signal (p.Gln588*) in the DSP gene. It is expected to result in an absent or disrupted protein product. Loss-of-function variants in DSP are known to be pathogenic (PMID: 20716751, 24503780, 25227139). This variant is not present in population databases (gnomAD no frequency). This premature translational stop signal has been observed in individual(s) with DSP-related conditions (PMID: 32372669). ClinVar contains an entry for this variant (Variation ID: 658277). For these reasons, this variant has been classified as Pathogenic.

Molecular Diagnostic Laboratory for Inherited Cardiovascular Disease, Montreal Heart Institute
Classification: Pathogenic for Cardiovascular phenotype. Last evaluated: 2022-02-16. Review status: criteria provided, single submitter. Criteria: ACMG Guidelines, 2015. Collection method: clinical testing. Allele origin: germline. Affected: yes.

CHEO Genetics Diagnostic Laboratory, Children's Hospital of Eastern Ontario
Classification: Likely pathogenic for Cardiomyopathy. Last evaluated: 2019-11-12. Review status: criteria provided, single submitter. Criteria: ACMG Guidelines, 2015. Collection method: clinical testing. Allele origin: germline.

Ambry Genetics
Classification: Pathogenic for Cardiovascular phenotype. Last evaluated: 2019-01-21. Review status: criteria provided, single submitter. Criteria: Ambry Variant Classification Scheme 2023. Collection method: clinical testing. Allele origin: germline.
Comment: The p.Q588* pathogenic mutation (also known as c.1762C>T), located in coding exon 14 of the DSP gene, results from a C to T substitution at nucleotide position 1762. This changes the amino acid from a glutamine to a stop codon within coding exon 14. Alterations in DSP that result in haploinsufficiency or protein truncation have been reported in patients with arrhythmogenic right ventricular cardiomyopathy (ARVC) and dilated cardiomyopathy (DCM) (Fressart V et al. Europace. 2010;12(6):861-8; Elliott P et al. Circ Cardiovasc Genet. 2010;3(4):314-22; Quarta G et al. Circulation. 2011;123(23):2701-9; Garcia-Pavia P et al. Heart. 2011;97(21):1744-52; Rasmussen TB et al. Clin Genet. 2013;84(1):20-30; Pugh TJ et al. Genet Med. 2014;16(8):601-8). This alteration is expected to result in loss of function by premature protein truncation or nonsense-mediated mRNA decay. As such, this alteration is interpreted as a disease-causing mutation.

Rady Children's Institute for Genomic Medicine, Rady Children's Hospital San Diego
Classification: Pathogenic for DSP-Related Disorders. Review status: criteria provided, single submitter. Criteria: ACMG Guidelines, 2015. Collection method: clinical testing. Allele origin: germline. Affected: yes.
Comment: This nonsense variant in exon 14 of 24 is predicted to result in loss of normal protein function through either protein truncation or nonsense-mediated mRNA decay. This variant has been previously reported in a cohort study of patients with pathogenic DSP variants, however, detailed clinical information was not available for review (PMID: 32372669). Loss-of-function variants in DSP are known to be disease causing (PMID: 20716751, 24503780, 25227139, 20400443). The c.1762C>T (p.Gln588Ter) variant is absent from the gnomAD population database and thus presumed to be rare. Based on the available evidence, c.1762C>T (p.Gln588Ter) is classified as Pathogenic.

Literature cited by the submitters: PubMed 20716751 (cited by Labcorp Genetics (formerly Invitae), Labcorp); PubMed 24503780 (cited by Labcorp Genetics (formerly Invitae), Labcorp); PubMed 25227139 (cited by Labcorp Genetics (formerly Invitae), Labcorp); PubMed 32372669 (cited by Labcorp Genetics (formerly Invitae), Labcorp).